The following is an entry in ClinVar:

NM_003072.5(SMARCA4):c.1666C>G (p.Gln556Glu)

Gene: SMARCA4 (SWI/SNF related BAF chromatin remodeling complex subunit ATPase 4; plus strand). Cytogenetic location: 19p13.2.
Variant type: single nucleotide variant.
Coding change: c.1666C>G on transcript NM_003072.5 (MANE Select); coding-DNA position 1666, C replaced by G.
Protein change: p.Gln556Glu; replaces glutamine 556 with glutamic acid.
Molecular consequence: missense variant. On other transcripts: non-coding transcript variant (1).
Genome position (GRCh38, 1-based): chr19:10,996,285, C>G. VCF-style: chr19-10996285-C-G. GRCh37 (hg19) VCF-style: chr19-11106961-C-G.
Other names: c.1666C>G, p.Gln556Glu (NM_001128844.3, NM_001128845.2, NM_001128846.2 and 5 more transcripts); short protein forms Q556E.
Identifiers: ClinVar variation 582543 (VCV000582543.10), dbSNP rs1555763642, ClinGen allele CA404064375.

ClinVar aggregate classification (germline): Uncertain significance (1 of 4 stars; one submission).

Conditions:
Rhabdoid tumor predisposition syndrome 2 (RTPS2). Identifiers: Orphanet 231108, Orphanet 69077, MedGen C2750074, MONDO:0013224, OMIM 613325.

Submission:

Labcorp Genetics (formerly Invitae), Labcorp
Classification: Uncertain significance for Rhabdoid tumor predisposition syndrome 2. Last evaluated: 2019-12-07. Review status: criteria provided, single submitter. Criteria: Invitae Variant Classification Sherloc (09022015). Collection method: clinical testing. Allele origin: germline.
Comment: In summary, the available evidence is currently insufficient to determine the role of this variant in disease. Therefore, it has been classified as a Variant of Uncertain Significance. Algorithms developed to predict the effect of missense changes on protein structure and function are either unavailable or do not agree on the potential impact of this missense change (SIFT: "Deleterious"; PolyPhen-2: "Probably Damaging"; Align-GVGD: "Class C0"). This variant has not been reported in the literature in individuals with SMARCA4-related disease. This variant is not present in population databases (ExAC no frequency). This sequence change replaces glutamine with glutamic acid at codon 556 of the SMARCA4 protein (p.Gln556Glu). The glutamine residue is highly conserved and there is a small physicochemical difference between glutamine and glutamic acid.